The following is an entry in ClinVar:

ClinVar aggregate classification (germline): Uncertain significance. Review status: criteria provided, multiple submitters, no conflicts (2 of 4 stars). 3 submissions from 3 submitters: Uncertain significance (3). Last evaluated 2025-06-13.

Conditions:
Inborn genetic diseases. Identifiers: MedGen C0950123, MeSH D030342.
PIEZO1-related disorder. Also called: PIEZO1-Related Disorders; PIEZO1-related condition.

gnomAD v4.1: 8 of 1,520,102 alleles (0.00053%); highest among the groups gnomAD compares: African/African-American, 0.0083%; no homozygotes.

Submissions (3):

PreventionGenetics, part of Exact Sciences
Classification: Uncertain significance for PIEZO1-related condition. Last evaluated: 2025-06-13. Review status: criteria provided, single submitter. Criteria: ACMG Guidelines, 2015. Collection method: clinical testing. Allele origin: germline.
Comment: The PIEZO1 c.4103G>C variant is predicted to result in the amino acid substitution p.Arg1368Pro. To our knowledge, this variant has not been reported in the literature. This variant is reported in 0.012% of alleles in individuals of African descent in gnomAD. At this time, the clinical significance of this variant is uncertain due to the absence of conclusive functional and genetic evidence.

Ambry Genetics
Classification: Uncertain significance for Inborn genetic diseases. Last evaluated: 2025-01-17. Review status: criteria provided, single submitter. Criteria: Ambry Variant Classification Scheme 2023. Collection method: clinical testing. Allele origin: germline.

Revvity Omics, Revvity
Classification: Uncertain significance. Last evaluated: 2023-12-20. Review status: criteria provided, single submitter. Criteria: ACMG Guidelines, 2015. Collection method: clinical testing. Allele origin: germline.

NM_001142864.4(PIEZO1):c.4103G>C (p.Arg1368Pro)

Gene: PIEZO1 (piezo type mechanosensitive ion channel component 1 (Er blood group); minus strand). Cytogenetic location: 16q24.3.
Variant type: single nucleotide variant.
Coding change: c.4103G>C on transcript NM_001142864.4 (MANE Select); coding-DNA position 4103, G replaced by C.
Protein change: p.Arg1368Pro; replaces arginine 1368 with proline.
Molecular consequence: missense variant.
Genome position (GRCh38, 1-based): chr16:88,725,475, C>G on the plus strand (G>C on the coding strand, the complement: PIEZO1 is on the minus strand). VCF-style: chr16-88725475-C-G. GRCh37 (hg19) VCF-style: chr16-88791883-C-G.
Other names: c.4103G>C (NM_001142864.3); short protein forms R1368P.
Identifiers: ClinVar variation 3888673 (VCV003888673.3).